The following is an entry in ClinVar:

NM_002474.3(MYH11):c.5076A>G (p.Leu1692=)

Genes: NDE1 (nudE neurodevelopment protein 1; plus strand), MYH11 (myosin heavy chain 11; minus strand). Cytogenetic location: 16p13.11.
Variant type: single nucleotide variant.
Coding change: c.5076A>G on transcript NM_002474.3 (MANE Select); coding-DNA position 5076, A replaced by G.
Protein change: p.Leu1692=; no amino-acid change (leucine 1692 retained).
Molecular consequence: synonymous variant. On other transcripts: intron variant (2).
Genome position (GRCh38, 1-based): chr16:15,719,591, T>C on the plus strand (A>G on the coding strand, the complement: MYH11 is on the minus strand). VCF-style: chr16-15719591-T-C. GRCh37 (hg19) VCF-style: chr16-15813448-T-C.
Other names: c.5097A>G, p.Leu1699= (NM_001040113.2, NM_001040114.2); c.5076A>G, p.Leu1692= (NM_022844.3); c.948-4600T>C (NM_001143979.2, NM_017668.3).
Identifiers: ClinVar variation 519950 (VCV000519950.15), dbSNP rs1555551468, ClinGen allele CA493755356.

ClinVar aggregate classification (germline): Likely benign. Review status: criteria provided, multiple submitters, no conflicts (2 of 4 stars). 3 submissions from 3 submitters: Likely benign (3). Last evaluated 2023-06-08.

Conditions:
Aortic aneurysm, familial thoracic 4 (AAT4). Also called: AORTIC ANEURYSM/AORTIC DISSECTION AND PATENT DUCTUS ARTERIOSUS. Identifiers: MedGen C1851504, MONDO:0007568, OMIM 132900.
Familial thoracic aortic aneurysm and aortic dissection (TAAD). Also called: Thoracic aortic aneurysms and dissections. Identifiers: Orphanet 91387, MedGen C4707243, MONDO:0019625.

Allele frequency attached by ClinVar (database versions not stated): gnomAD exomes below 0.00001; TOPMed below 0.00001; gnomAD 0.00001.
gnomAD v4.1: 5 of 1,614,058 alleles (0.00031%); highest among the groups gnomAD compares: Non-Finnish European, 0.00042%; no homozygotes.

Submissions (3):

All of Us Research Program, National Institutes of Health
Classification: Likely benign for Familial thoracic aortic aneurysm and aortic dissection. Last evaluated: 2023-06-08. Review status: criteria provided, single submitter. Criteria: ACMG Guidelines, 2015. Collection method: clinical testing. Allele origin: germline. Inheritance: Autosomal dominant inheritance. Observed: 1 variant allele, 1 heterozygote.
Comment: This study involves interpretation of variants in research participants for the purpose of population health screening. Participant phenotype was not available at the time of variant classification. Additional details can be found in publication PMID: 35346344, PMCID: PMC8962531

Labcorp Genetics (formerly Invitae), Labcorp
Classification: Likely benign for Aortic aneurysm, familial thoracic 4. Last evaluated: 2022-08-19. Review status: criteria provided, single submitter. Criteria: Invitae Variant Classification Sherloc (09022015). Collection method: clinical testing. Allele origin: germline.

Ambry Genetics
Classification: Likely benign for Familial thoracic aortic aneurysm and aortic dissection. Last evaluated: 2017-03-09. Review status: criteria provided, single submitter. Criteria: Ambry Variant Classification Scheme 2023. Collection method: clinical testing. Allele origin: germline.